The following is an entry in ClinVar:

ClinVar aggregate classification (germline): Uncertain significance (1 of 4 stars; one submission).

Conditions:
Fanconi anemia complementation group J. Also called: BRIP1-Related Fanconi Anemia. Identifiers: Orphanet 84, MedGen C1836860, MONDO:0012187, OMIM 609054.
Familial cancer of breast. Also called: hereditary breast carcinoma; BREAST CANCER, FAMILIAL; Hereditary breast cancer. Identifiers: Orphanet 227535, MedGen C0346153, MONDO:0016419, OMIM 114480. Disease mechanism: loss of function.

Submission:

Labcorp Genetics (formerly Invitae), Labcorp
Classification: Uncertain significance for Familial cancer of breast; Fanconi anemia complementation group J. Last evaluated: 2025-02-11. Review status: criteria provided, single submitter. Criteria: Invitae Variant Classification Sherloc (09022015). Collection method: clinical testing. Allele origin: germline.
Comment: This sequence change replaces glutamic acid, which is acidic and polar, with lysine, which is basic and polar, at codon 157 of the BRIP1 protein (p.Glu157Lys). This variant is not present in population databases (gnomAD no frequency). This variant has not been reported in the literature in individuals affected with BRIP1-related conditions. ClinVar contains an entry for this variant (Variation ID: 860540). Invitae Evidence Modeling of protein sequence and biophysical properties (such as structural, functional, and spatial information, amino acid conservation, physicochemical variation, residue mobility, and thermodynamic stability) indicates that this missense variant is not expected to disrupt BRIP1 protein function with a negative predictive value of 95%. In summary, the available evidence is currently insufficient to determine the role of this variant in disease. Therefore, it has been classified as a Variant of Uncertain Significance.

NM_032043.3(BRIP1):c.469G>A (p.Glu157Lys)

Gene: BRIP1 (BRCA1 interacting DNA helicase 1; minus strand). Cytogenetic location: 17q23.2.
Variant type: single nucleotide variant.
Coding change: c.469G>A on transcript NM_032043.3 (MANE Select); coding-DNA position 469, G replaced by A.
Protein change: p.Glu157Lys; replaces glutamic acid 157 with lysine.
Molecular consequence: missense variant.
Genome position (GRCh38, 1-based): chr17:61,849,167, C>T on the plus strand (G>A on the coding strand, the complement: BRIP1 is on the minus strand). VCF-style: chr17-61849167-C-T. GRCh37 (hg19) VCF-style: chr17-59926528-C-T.
Other names: short protein forms E157K.
Identifiers: ClinVar variation 860540 (VCV000860540.9), dbSNP rs2078778379, ClinGen allele CA400484425.
Genomic context (GRCh38, chr17:61,849,167, plus strand): 5'-ACTGCCAATAAACTCTGTTTACCTGCTGTGTAGTTTCTAAGGGTCGAATTCTTTTCTTCT[C>T]TACTTGAAAATCATCATTTTCATCTCTGTATATGGATGCCTGTTTCTTAGCAGATAACTT-3'
Protein context (NP_114432.2, residues 147-167): YRDENDDFQV[Glu157Lys]KKRIRPLETT